The following is an entry in ClinVar:

NC_000018.9:g.(45375059_45377644)_(45391505_45394693)del

Gene: SMAD2 (SMAD family member 2; minus strand). Cytogenetic location: 18q21.1.
Variant type: Deletion.
Identifiers: ClinVar variation 3769271 (VCV003769271.2).

ClinVar aggregate classification (germline): Uncertain significance (1 of 4 stars; one submission).

Submission:

Women's Health and Genetics/Laboratory Corporation of America, LabCorp
Classification: Uncertain significance. Last evaluated: 2025-01-06. Review status: criteria provided, single submitter. Criteria: LabCorp Variant Classification Summary - May 2015. Collection method: clinical testing. Allele origin: germline.
Comment: Variant summary: The variant involves the deletion of exons 6-7 in the SMAD2 gene. A presumed nomenclature of c.(655+1_656-1)_(784+1_785-1)del has been designated for the purposes of this classification. This Copy Number Variant (CNV) is predicted to result in an in-frame deletion within this gene. The variant was absent in 21694 control chromosomes. The available data on variant occurrences in the general population are insufficient to allow any conclusion about variant significance. To our knowledge, no occurrence of c.(655+1_656-1)_(784+1_785-1)del in individuals affected with Loeys-Dietz Syndrome and no experimental evidence demonstrating its impact on protein function have been reported. No submitters have cited clinical-significance assessments for this variant to ClinVar. Based on the evidence outlined above, the variant was classified as uncertain significance.